The following is an entry in ClinVar:

ClinVar aggregate classification (germline): Uncertain significance (1 of 4 stars; one submission).

Submission:

Labcorp Genetics (formerly Invitae), Labcorp
Classification: Uncertain significance. Last evaluated: 2021-08-26. Review status: criteria provided, single submitter. Criteria: Invitae Variant Classification Sherloc (09022015). Collection method: clinical testing. Allele origin: germline.
Comment: This sequence change replaces cysteine with tyrosine at codon 1530 of the DUOX2 protein (p.Cys1530Tyr). The cysteine residue is highly conserved and there is a large physicochemical difference between cysteine and tyrosine. This variant is not present in population databases (ExAC no frequency). This variant has not been reported in the literature in individuals affected with DUOX2-related conditions. Advanced modeling of protein sequence and biophysical properties (such as structural, functional, and spatial information, amino acid conservation, physicochemical variation, residue mobility, and thermodynamic stability) performed at Invitae indicates that this missense variant is expected to disrupt DUOX2 protein function. In summary, the available evidence is currently insufficient to determine the role of this variant in disease. Therefore, it has been classified as a Variant of Uncertain Significance.

NM_001363711.2(DUOX2):c.4589G>A (p.Cys1530Tyr)

Gene: DUOX2 (dual oxidase 2; minus strand). Cytogenetic location: 15q21.1.
Variant type: single nucleotide variant.
Coding change: c.4589G>A on transcript NM_001363711.2 (MANE Select); coding-DNA position 4589, G replaced by A.
Protein change: p.Cys1530Tyr; replaces cysteine 1530 with tyrosine.
Molecular consequence: missense variant.
Genome position (GRCh38, 1-based): chr15:45,094,208, C>T on the plus strand (G>A on the coding strand, the complement: DUOX2 is on the minus strand). VCF-style: chr15-45094208-C-T. GRCh37 (hg19) VCF-style: chr15-45386406-C-T.
Other names: c.4589G>A, p.Cys1530Tyr (NM_014080.5); short protein forms C1530Y.
Identifiers: ClinVar variation 1504240 (VCV001504240.5), dbSNP rs1024930230, ClinGen allele CA392249169.